The following is an entry in ClinVar:

ClinVar aggregate classification (germline): Uncertain significance (1 of 4 stars; one submission).

gnomAD v4.1: 3 of 1,613,814 alleles (0.00019%); highest among the groups gnomAD compares: Non-Finnish European, 0.00025%; no homozygotes.

Submission:

GeneDx
Classification: Uncertain significance. Last evaluated: 2022-03-03. Review status: criteria provided, single submitter. Criteria: GeneDx Variant Classification Process June 2021. Collection method: clinical testing. Allele origin: germline. Affected: yes.
Comment: Not observed at significant frequency in large population cohorts (gnomAD); In silico analysis supports a deleterious effect on splicing; Missense variant in a gene in which most reported pathogenic variants are truncating/loss-of-function; Has not been previously published as pathogenic or benign to our knowledge

NM_001267550.2(TTN):c.14735A>G (p.Asp4912Gly)

Gene: TTN (titin; minus strand). Cytogenetic location: 2q31.2.
Variant type: single nucleotide variant.
Coding change: c.14735A>G on transcript NM_001267550.2 (MANE Select); coding-DNA position 14735, A replaced by G.
Protein change: p.Asp4912Gly; replaces aspartic acid 4912 with glycine.
Molecular consequence: missense variant. On other transcripts: intron variant (3).
Genome position (GRCh38, 1-based): chr2:178,735,711, T>C on the plus strand (A>G on the coding strand, the complement: TTN is on the minus strand). VCF-style: chr2-178735711-T-C. GRCh37 (hg19) VCF-style: chr2-179600438-T-C.
Other names: c.13784A>G, p.Asp4595Gly (NM_001256850.1); c.11003A>G, p.Asp3668Gly (NM_133378.4); c.13282+2371A>G (NM_003319.4); c.13858+2371A>G (NM_133437.4); c.13657+2371A>G (NM_133432.3); short protein forms D3668G, D4595G, D4912G.
Identifiers: ClinVar variation 1704729 (VCV001704729.2), dbSNP rs2081324623, ClinGen allele CA349597276.